The following is an entry in ClinVar:

ClinVar aggregate classification (germline): Likely benign (1 of 4 stars; one submission).

Submission:

CeGaT Center for Human Genetics Tuebingen
Classification: Likely benign. Last evaluated: 2026-08-01. Review status: criteria provided, single submitter. Criteria: CeGaT Center For Human Genetics Tuebingen Variant Classification Criteria Version 2. Collection method: clinical testing. Allele origin: germline. Affected: yes. Observed: 1 variant allele.
Comment: PPP3CA: BP4

NM_000944.5(PPP3CA):c.58+7G>A

Gene: PPP3CA (protein phosphatase 3 catalytic subunit alpha; minus strand). Cytogenetic location: 4q24.
Variant type: single nucleotide variant.
Coding change: c.58+7G>A on transcript NM_000944.5 (MANE Select); 7 bases into the intron after coding-DNA position 58, G replaced by A.
Molecular consequence: intron variant.
Genome position (GRCh38, 1-based): chr4:101,346,732, C>T on the plus strand (G>A on the coding strand, the complement: PPP3CA is on the minus strand). VCF-style: chr4-101346732-C-T. GRCh37 (hg19) VCF-style: chr4-102267889-C-T.
Other names: c.58+7G>A (NM_001130692.2, NM_001130691.2).
Identifiers: ClinVar variation 5040703 (VCV005040703.1).